The following is an entry in ClinVar:

ClinVar aggregate classification (germline): Uncertain significance. Review status: criteria provided, multiple submitters, no conflicts (2 of 4 stars). 4 submissions from 4 submitters: Uncertain significance (4). Last evaluated 2025-04-08.

Conditions:
Alagille syndrome due to a NOTCH2 point mutation. Also called: Alagille syndrome 2. Identifiers: Orphanet 261629, Orphanet 52, MedGen C1857761, MONDO:0012439, OMIM 610205.
Hajdu-Cheney syndrome (HJCYS). Also called: Acroosteolysis dominant type; ACROOSTEOLYSIS WITH OSTEOPOROSIS AND CHANGES IN SKULL AND MANDIBLE; SERPENTINE FIBULA-POLYCYSTIC KIDNEY SYNDROME. Identifiers: Orphanet 955, MedGen C0917715, MONDO:0007057, OMIM 102500.
Inborn genetic diseases. Identifiers: MedGen C0950123, MeSH D030342.

Allele frequency attached by ClinVar (database versions not stated): ExAC 0.00010.

Submissions (4):

Ambry Genetics
Classification: Uncertain significance for Inborn genetic diseases. Last evaluated: 2025-04-08. Review status: criteria provided, single submitter. Criteria: Ambry Variant Classification Scheme 2023. Collection method: clinical testing. Allele origin: germline.

GeneDx
Classification: Uncertain significance. Last evaluated: 2025-01-31. Review status: criteria provided, single submitter. Criteria: GeneDx Variant Classification Process June 2021. Collection method: clinical testing. Allele origin: germline. Affected: yes.
Comment: In silico analysis supports that this missense variant has a deleterious effect on protein structure/function; Has not been previously published as pathogenic or benign to our knowledge

Fulgent Genetics
Classification: Uncertain significance for Hajdu-Cheney syndrome; Alagille syndrome due to a NOTCH2 point mutation. Last evaluated: 2024-04-03. Review status: criteria provided, single submitter. Criteria: ACMG Guidelines, 2015. Collection method: clinical testing. Allele origin: germline.

Labcorp Genetics (formerly Invitae), Labcorp
Classification: Uncertain significance for Hajdu-Cheney syndrome. Last evaluated: 2022-12-25. Review status: criteria provided, single submitter. Criteria: Invitae Variant Classification Sherloc (09022015). Collection method: clinical testing. Allele origin: germline.
Comment: This sequence change replaces asparagine, which is neutral and polar, with threonine, which is neutral and polar, at codon 1629 of the NOTCH2 protein (p.Asn1629Thr). The frequency data for this variant in the population databases is considered unreliable, as metrics indicate poor data quality at this position in the gnomAD database. This variant has not been reported in the literature in individuals affected with NOTCH2-related conditions. Algorithms developed to predict the effect of missense changes on protein structure and function (SIFT, PolyPhen-2, Align-GVGD) all suggest that this variant is likely to be disruptive. In summary, the available evidence is currently insufficient to determine the role of this variant in disease. Therefore, it has been classified as a Variant of Uncertain Significance.

NM_024408.4(NOTCH2):c.4886A>C (p.Asn1629Thr)

Gene: NOTCH2 (notch receptor 2; minus strand). Cytogenetic location: 1p12.
Variant type: single nucleotide variant.
Coding change: c.4886A>C on transcript NM_024408.4 (MANE Select); coding-DNA position 4886, A replaced by C.
Protein change: p.Asn1629Thr; replaces asparagine 1629 with threonine.
Molecular consequence: missense variant.
Genome position (GRCh38, 1-based): chr1:119,922,752, T>G on the plus strand (A>C on the coding strand, the complement: NOTCH2 is on the minus strand). VCF-style: chr1-119922752-T-G. GRCh37 (hg19) VCF-style: chr1-120465375-T-G.
Other names: short protein forms N1629T.
Identifiers: ClinVar variation 2531858 (VCV002531858.8), dbSNP rs759291215, ClinGen allele CA1039772.